The following is an entry in ClinVar:

NM_004360.5(CDH1):c.1297G>A (p.Asp433Asn)

Gene: CDH1 (cadherin 1; plus strand). Cytogenetic location: 16q22.1.
Variant type: single nucleotide variant.
Coding change: c.1297G>A on transcript NM_004360.5 (MANE Select); coding-DNA position 1297, G replaced by A.
Protein change: p.Asp433Asn; replaces aspartic acid 433 with asparagine.
Molecular consequence: missense variant. On other transcripts: 5 prime UTR variant (2), intron variant (1).
Genome position (GRCh38, 1-based): chr16:68,813,472, G>A. VCF-style: chr16-68813472-G-A. GRCh37 (hg19) VCF-style: chr16-68847375-G-A.
Other names: p.D433N:GAT>AAT; c.-319G>A (NM_001317185.2); c.-523G>A (NM_001317186.2); c.1137+1209G>A (NM_001317184.2); short protein forms D433N.
Identifiers: ClinVar variation 127910 (VCV000127910.66), dbSNP rs199886166, ClinGen allele CA288028.

ClinVar aggregate classification (germline): Likely benign. Review status: reviewed by expert panel (3 of 4 stars). 19 submissions from 19 submitters: Likely benign (1). 18 of the submissions do not count toward it. Last evaluated 2023-08-17.

Conditions:
CDH1-related diffuse gastric and lobular breast cancer syndrome. Also called: CDH1-related diffuse gastric and lobular breast cancer. Identifiers: MedGen CN311521, MONDO:0100488.
CDH1-related disorder. Also called: CDH1-related condition.
Hereditary cancer-predisposing syndrome. Also called: Tumor predisposition; Hereditary neoplastic syndrome; Neoplastic Syndromes, Hereditary; Hereditary Cancer Syndrome. Identifiers: Orphanet 140162, MedGen C0027672, MeSH D009386, MONDO:0015356.
Hereditary diffuse gastric adenocarcinoma (HDGC). Also called: DIFFUSE GASTRIC AND LOBULAR BREAST CANCER SYNDROME. Identifiers: Orphanet 26106, MedGen C1708349, MONDO:0007648, OMIM 137215.

Allele frequency attached by ClinVar (database versions not stated): ExAC 0.00002; gnomAD exomes 0.00004 and 0.00005; gnomAD 0.00007; TOPMed 0.00007.
gnomAD v4.1: 81 of 1,614,044 alleles (0.005%); highest among the groups gnomAD compares: East Asian, 0.013%; 1 homozygote.

Submissions 1 to 14 of 19:

Clingen Gastric Cancer Variant Curation Expert Panel
Classification: Likely benign for CDH1-related diffuse gastric and lobular breast cancer syndrome. Last evaluated: 2023-08-17. Review status: reviewed by expert panel. Criteria: ClinGen CDH1 ACMG Specifications V3.1. Collection method: curation. Allele origin: germline. Inheritance: Autosomal dominant inheritance.
Comment: The c.1297G>A (p.Asp433Asn) variant has been observed in >10 individuals without a diagnosis of diffuse gastric cancer, signet ring tumor or lobular breast cancer and whose family histories do not suggest HDGC (BS2; internal laboratory contributors). In summary, the clinical significance of this variant is classified as likely benign based on BS2 alone. ACMG/AMP criteria applied, as specified by the CDH1 Variant Curation Expert Panel (Variant Interpretation Guidelines Version 3.1): BS2.

Labcorp Genetics (formerly Invitae), Labcorp
Classification: Likely benign for Hereditary diffuse gastric adenocarcinoma. Last evaluated: 2026-01-31. Review status: criteria provided, single submitter. Criteria: Invitae Variant Classification Sherloc (09022015). Collection method: clinical testing. Allele origin: germline. Not counted in ClinVar's aggregate classification.

Institute for Biomarker Research, Medical Diagnostic Laboratories, L.L.C.
Classification: Likely benign for Hereditary cancer-predisposing syndrome. Last evaluated: 2025-11-03. Review status: criteria provided, single submitter. Criteria: ACMG Guidelines, 2015. Collection method: clinical testing. Allele origin: germline. Not counted in ClinVar's aggregate classification.
Comment: The missense variant NM_004360.5(CDH1):c.1297G>A (p.Asp433Asn) has been reported to ClinVar as Likely benign with a status of (3 stars) reviewed by expert panel (Accession: VCV000127910.582). There is a small physicochemical difference between aspartic acid and asparagine, which is not likely to impact secondary protein structure as these residues share similar properties. The gene CDH1 has a low rate of benign missense variation as indicated by a high missense variants Z-Score of 1.89. For these reasons, this variant has been classified as Likely Benign.

Center for Genomic Medicine, Rigshospitalet, Copenhagen University Hospital
Classification: Likely benign. Last evaluated: 2025-03-04. Review status: criteria provided, single submitter. Criteria: ACMG Guidelines, 2015. Collection method: clinical testing. Allele origin: germline. Not counted in ClinVar's aggregate classification.

Color Diagnostics, LLC DBA Color Health
Classification: Likely benign for Hereditary cancer-predisposing syndrome. Last evaluated: 2024-09-25. Review status: criteria provided, single submitter. Criteria: ACMG Guidelines, 2015. Collection method: clinical testing. Allele origin: germline. Not counted in ClinVar's aggregate classification.

Women's Health and Genetics/Laboratory Corporation of America, LabCorp
Classification: Likely benign. Last evaluated: 2023-12-18. Review status: criteria provided, single submitter. Criteria: LabCorp Variant Classification Summary - May 2015. Collection method: clinical testing. Allele origin: germline. Not counted in ClinVar's aggregate classification.
Comment: Variant summary: CDH1 c.1297G>A (p.Asp433Asn) results in a conservative amino acid change located in the Cadherrin-like domain (IPR002126) of the encoded protein sequence. Five of five in-silico tools predict a benign effect of the variant on protein function. The variant allele was found at a frequency of 5.2e-05 in 252334 control chromosomes. The observed variant frequency is approximately 2 fold of the estimated maximal expected allele frequency for a pathogenic variant in CDH1 causing Hereditary Diffuse Gastric Cancer phenotype (2.8e-05), strongly suggesting that the variant is benign. The variant has been reported in the literature in breast and gastric cancer patients, without strong evidence for causality (Schrader_2010, Tung_2016, Li_2013). These reports do not provide unequivocal conclusions about association of the variant with Hereditary Diffuse Gastric Cancer. One functional study reported the variant to have no impact on splicing, yielding normal-sized mRNA (Li_2013), however additional functional studies have not been reported. The following publications have been ascertained in the context of this evaluation (PMID: 22722839, 20921021, 26976419, 23435907, 30287823, 28061482). 15 submitters have cited clinical-significance assessments for this variant to ClinVar after 2014 and classified as benign/likely benign (n=8) and VUS (n=7). Based on the evidence outlined above, the variant was classified as likely benign.

Quest Diagnostics Nichols Institute San Juan Capistrano
Classification: Likely benign. Last evaluated: 2023-08-10. Review status: criteria provided, single submitter. Criteria: Quest Diagnostics criteria. Collection method: clinical testing. Allele origin: unknown. Not counted in ClinVar's aggregate classification.

Myriad Genetics, Inc.
Classification: Uncertain significance for Hereditary diffuse gastric adenocarcinoma. Last evaluated: 2023-03-07. Review status: criteria provided, single submitter. Criteria: Myriad Autosomal Dominant, Autosomal Recessive and X-Linked Classification Criteria (2023). Collection method: clinical testing. Allele origin: unknown. Not counted in ClinVar's aggregate classification.
Comment: This variant is classified as a variant of uncertain significance as there is insufficient evidence to determine its impact on protein function and/or cancer risk.

CeGaT Center for Human Genetics Tuebingen
Classification: Likely benign. Last evaluated: 2022-10-01. Review status: criteria provided, single submitter. Criteria: CeGaT Center For Human Genetics Tuebingen Variant Classification Criteria Version 2. Collection method: clinical testing. Allele origin: germline. Affected: yes. Observed: 1 variant allele. Not counted in ClinVar's aggregate classification.
Comment: CDH1: BP4

European Reference Network on Genetic Tumour Risk Syndromes (ERN-GENTURIS), i3s - Instituto de Investigação e Inovação em Saúde, University of Porto
Classification: Likely benign for Hereditary diffuse gastric adenocarcinoma. Last evaluated: 2022-08-01. Review status: criteria provided, single submitter. Criteria: Lee et al. (Hum Mutat. 2018). Collection method: clinical testing. Allele origin: germline. Inheritance: Autosomal dominant inheritance. Affected: no. Study: ERN GENTURIS. Not counted in ClinVar's aggregate classification.
Comment: BS2 (PMID: 30311375)

ARUP Laboratories, Molecular Genetics and Genomics, ARUP Laboratories
Classification: Uncertain significance. Last evaluated: 2020-11-10. Review status: criteria provided, single submitter. Criteria: ARUP Molecular Germline Variant Investigation Process 2021. Collection method: clinical testing. Allele origin: germline. Not counted in ClinVar's aggregate classification.
Comment: The CDH1 c.1297G>A; p.Asp433Asn variant (rs199886166) has been described in the literature in individuals with breast cancer without causality of the variant established (Momozawa 2018, Schrader 2011). The variant has been classified as likely benign by an expert panel in the ClinVar database but is also classified as a variant of uncertain significance by several sources (Variation ID: 127910). The variant is found in the general population with an overall allele frequency of 0.005% (13/251,484 alleles) in the Genome Aggregation Database. The aspartic acid at codon 433 is moderately conserved computational analyses predict that this variant is neutral (REVEL: 0.09). Due to limited information, the clinical significance of the p.Asp433Asn variant is uncertain at this time. References: Momozawa et al. Germline pathogenic variants of 11 breast cancer genes in 7,051 Japanese patients and 11,241 controls. Nat Commun. 2018 Oct 4;9(1):4083. Schrader et al. Germline mutations in CDH1 are infrequent in women with early-onset or familial lobular breast cancers. J Med Genet. 2011 Jan;48(1):64-8.

Sema4
Classification: Benign for Hereditary cancer-predisposing syndrome. Last evaluated: 2020-07-21. Review status: criteria provided, single submitter. Criteria: Sema4 Curation Guidelines. Collection method: curation. Allele origin: germline. Not counted in ClinVar's aggregate classification.

GeneDx
Classification: Uncertain significance. Last evaluated: 2019-11-20. Review status: criteria provided, single submitter. Criteria: GeneDx Variant Classification Process June 2021. Collection method: clinical testing. Allele origin: germline. Affected: yes. Not counted in ClinVar's aggregate classification.
Comment: In silico analysis, which includes protein predictors and evolutionary conservation, supports that this variant does not alter protein structure/function; Observed in individuals with breast or gastric cancer (Schrader 2011, Li 2013, Tung 2016, Momozawa 2018); This variant is associated with the following publications: (PMID: 22722839, 30287823, 20921021, 23435907, 26976419, 26759166, 25096233, 26486520, 26182300)

Ambry Genetics
Classification: Likely benign for Hereditary cancer-predisposing syndrome. Last evaluated: 2018-10-12. Review status: criteria provided, single submitter. Criteria: Ambry Variant Classification Scheme 2023. Collection method: clinical testing. Allele origin: germline. Not counted in ClinVar's aggregate classification.